The following is an entry in ClinVar:

NM_000383.4(AIRE):c.1181A>G (p.Tyr394Cys)

Gene: AIRE (autoimmune regulator; plus strand). Cytogenetic location: 21q22.3.
Variant type: single nucleotide variant.
Coding change: c.1181A>G on transcript NM_000383.4 (MANE Select); coding-DNA position 1181, A replaced by G.
Protein change: p.Tyr394Cys; replaces tyrosine 394 with cysteine.
Molecular consequence: missense variant.
Genome position (GRCh38, 1-based): chr21:44,293,078, A>G. VCF-style: chr21-44293078-A-G. GRCh37 (hg19) VCF-style: chr21-45712961-A-G.
Other names: short protein forms Y394C.
Identifiers: ClinVar variation 1054536 (VCV001054536.9), dbSNP rs763440543, ClinGen allele CA10051978.

ClinVar aggregate classification (germline): Uncertain significance (1 of 4 stars; one submission).

Conditions:
Polyglandular autoimmune syndrome, type 1 (APS1). Also called: Autoimmune polyendocrinopathy syndrome , type I, with or without reversible metaphyseal dysplasia; Autoimmune polyendocrine syndrome type 1; AUTOIMMUNE POLYENDOCRINE SYNDROME, TYPE I, WITH OR WITHOUT REVERSIBLE METAPHYSEAL DYSPLASIA; APS I; HYPOADRENOCORTICISM WITH HYPOPARATHYROIDISM AND SUPERFICIAL MONILIASIS; Autoimmune polyendocrinopathy syndrome, type I. Identifiers: Orphanet 3453, MedGen C0085859, MONDO:0009411, OMIM 240300.

Allele frequency attached by ClinVar (database versions not stated): gnomAD exomes below 0.00001; ExAC 0.00001.

Submission:

Labcorp Genetics (formerly Invitae), Labcorp
Classification: Uncertain significance for Polyglandular autoimmune syndrome, type 1. Last evaluated: 2020-06-15. Review status: criteria provided, single submitter. Criteria: Invitae Variant Classification Sherloc (09022015). Collection method: clinical testing. Allele origin: germline.
Comment: This sequence change replaces tyrosine with cysteine at codon 394 of the AIRE protein (p.Tyr394Cys). The tyrosine residue is moderately conserved and there is a large physicochemical difference between tyrosine and cysteine. This variant is present in population databases (rs763440543, ExAC 0.002%). This variant has not been reported in the literature in individuals with AIRE-related conditions. Algorithms developed to predict the effect of missense changes on protein structure and function are either unavailable or do not agree on the potential impact of this missense change (SIFT: "Deleterious"; PolyPhen-2: "Possibly Damaging"; Align-GVGD: "Class C0"). In summary, the available evidence is currently insufficient to determine the role of this variant in disease. Therefore, it has been classified as a Variant of Uncertain Significance.